The following is an entry in ClinVar:

NM_001105247.2(ARMC5):c.328G>A (p.Ala110Thr)

Genes: ARMC5 (armadillo repeat containing 5; plus strand), LOC130058906 (ATAC-STARR-seq lymphoblastoid silent region 7419; plus strand). Cytogenetic location: 16p11.2.
Variant type: single nucleotide variant.
Coding change: c.328G>A on transcript NM_001105247.2 (MANE Select); coding-DNA position 328, G replaced by A.
Protein change: p.Ala110Thr; replaces alanine 110 with threonine.
Molecular consequence: missense variant.
Genome position (GRCh38, 1-based): chr16:31,459,852, G>A. VCF-style: chr16-31459852-G-A. GRCh37 (hg19) VCF-style: chr16-31471173-G-A.
Other names: c.613G>A, p.Ala205Thr (NM_001288767.2); c.424G>A, p.Ala142Thr (NM_001301820.1); c.328G>A, p.Ala110Thr (NM_024742.2); c.613G>A (NM_001288767.1); short protein forms A205T, A142T, A110T.
Identifiers: ClinVar variation 732540 (VCV000732540.30), dbSNP rs201768837, ClinGen allele CA8029408.
Genomic context (GRCh38, chr16:31,459,852, plus strand): 5'-GGCTCCGCCCCCTCGTCGGCCGCGTCGGGAGCTTCTAGCCCCGCCCCCGCGTCGGGCCCC[G>A]CCCCCTCCGCTGTGTCGTCGTCTAGTCCTACGCCGCCAGTGCGCCTGCGCAAGACGCTGG-3'
Protein context (NP_001098717.1, residues 100-120): ASSPAPASGP[Ala110Thr]PSAVSSSSPT

ClinVar aggregate classification (germline): Benign/Likely benign. Review status: criteria provided, multiple submitters, no conflicts (2 of 4 stars). 4 submissions from 4 submitters: Benign (3); Likely benign (1). Last evaluated 2026-07-22.

Conditions:
ARMC5-related disorder. Also called: ARMC5-related condition.

Allele frequency attached by ClinVar (database versions not stated): 1000 Genomes Project 0.00020; 1000 Genomes Project 30x 0.00047; TOPMed 0.00246; ESP Exome Variant Server 0.00361.
gnomAD v4.1: 5,428 of 1,587,898 alleles (0.34%); highest among the groups gnomAD compares: Non-Finnish European, 0.43%; 9 homozygotes.

Submissions (4):

PreventionGenetics, part of Exact Sciences
Classification: Benign for ARMC5-related condition. Last evaluated: 2026-07-22. Review status: criteria provided, single submitter. Criteria: ACMG Guidelines, 2015. Collection method: clinical testing. Allele origin: germline.
Comment: This variant is classified as benign based on ACMG/AMP sequence variant interpretation guidelines (Richards et al. 2015 PMID: 25741868, with internal and published modifications).

CeGaT Center for Human Genetics Tuebingen
Classification: Benign. Last evaluated: 2026-05-01. Review status: criteria provided, single submitter. Criteria: CeGaT Center For Human Genetics Tuebingen Variant Classification Criteria Version 2. Collection method: clinical testing. Allele origin: germline. Affected: yes. Observed: 2 variant alleles.
Comment: ARMC5: BS1, BS2

Blueprint Genetics
Classification: Likely benign. Last evaluated: 2024-11-12. Review status: criteria provided, single submitter. Criteria: ACMG Guidelines, 2015. Collection method: clinical testing. Allele origin: germline.

Labcorp Genetics (formerly Invitae), Labcorp
Classification: Benign. Last evaluated: 2019-12-31. Review status: criteria provided, single submitter. Criteria: Invitae Variant Classification Sherloc (09022015). Collection method: clinical testing. Allele origin: germline.